The following is an entry in ClinVar:

NM_000287.4(PEX6):c.514del (p.Asp172fs)

Gene: PEX6 (peroxisomal biogenesis factor 6; minus strand). Cytogenetic location: 6p21.1.
Variant type: Deletion.
Coding change: c.514del on transcript NM_000287.4 (MANE Select); coding-DNA position 514, one base deleted (G; older notation c.514delG).
Protein change: p.Asp172fs; shifts the reading frame from aspartic acid 172.
Molecular consequence: frameshift variant. On other transcripts: non-coding transcript variant (1).
Genome position (GRCh38, 1-based): chr6:42,978,637, C deleted on the plus strand (G on the coding strand, the reverse complement: PEX6 is on the minus strand); the first of 4 consecutive C bases (chr6:42,978,637-42,978,640); deleting any one gives the same sequence. VCF-style (leftmost placement, unchanged base first): chr6-42978636-TC-T. GRCh37 (hg19) VCF-style: chr6-42946374-TC-T.
Other names: c.514del, p.Asp172fs (NM_001316313.2); c.514del (NM_000287.3); short protein forms D172fs.
Identifiers: ClinVar variation 2015425 (VCV002015425.6), dbSNP rs2150239907, ClinGen allele CA2580074536.

ClinVar aggregate classification (germline): Pathogenic/Likely pathogenic. Review status: criteria provided, multiple submitters, no conflicts (2 of 4 stars). 3 submissions from 3 submitters: Pathogenic (1); Likely pathogenic (2). Last evaluated 2025-11-04.

Conditions:
Zellweger spectrum disorders (ZS). Also called: Zellweger syndrome; Zellweger Spectrum Disorder (ZSD); Zellweger Spectrum Disorder; Zellweger Spectrum. Identifiers: Orphanet 912, MedGen C0043459, MONDO:0019609.
Heimler syndrome 2 (HMLR2). Also called: PEROXISOME BIOGENESIS DISORDER 4C. Identifiers: Orphanet 3220, MedGen C4225267, OMIM 616617, MONDO:0014709.
Peroxisome biogenesis disorder. Identifiers: Orphanet 79189, MedGen C1832200, MONDO:0019234. Disease mechanism: loss of function.

Submissions (3):

Natera, Inc.
Classification: Likely pathogenic for Zellweger syndrome. Last evaluated: 2025-11-04. Review status: criteria provided, single submitter. Criteria: Natera Variant Classification Schema (03/2026). Collection method: clinical testing. Allele origin: germline.
Comment: The c.514del variant in PEX6 is a frameshift variant predicted to shift the reading frame beginning at codon 172 and leads to a stop codon 34 codons downstream. This variant is expected to result in nonsense mediated decay, truncation, or a dysfunctional protein product. This variant is rare in the general population with a frequency below the threshold expected for the associated phenotype(s). Given the available evidence, this variant is classified as Likely Pathogenic.

Labcorp Genetics (formerly Invitae), Labcorp
Classification: Pathogenic for Peroxisome biogenesis disorder. Last evaluated: 2025-09-15. Review status: criteria provided, single submitter. Criteria: Invitae Variant Classification Sherloc (09022015). Collection method: clinical testing. Allele origin: germline.
Comment: This sequence change creates a premature translational stop signal (p.Asp172Thrfs*34) in the PEX6 gene. It is expected to result in an absent or disrupted protein product. Loss-of-function variants in PEX6 are known to be pathogenic (PMID: 10408779, 21031596, 31831025). This variant is not present in population databases (gnomAD no frequency). This variant has not been reported in the literature in individuals affected with PEX6-related conditions. ClinVar contains an entry for this variant (Variation ID: 2015425). For these reasons, this variant has been classified as Pathogenic.

Baylor Genetics
Classification: Likely pathogenic for Heimler syndrome 2. Last evaluated: 2024-03-14. Review status: criteria provided, single submitter. Criteria: ACMG Guidelines, 2015. Collection method: clinical testing. Allele origin: unknown.

Literature cited by the submitters: PubMed 10408779 (cited by Labcorp Genetics (formerly Invitae), Labcorp); PubMed 21031596 (cited by Labcorp Genetics (formerly Invitae), Labcorp); PubMed 31831025 (cited by Labcorp Genetics (formerly Invitae), Labcorp).